The following is an entry in ClinVar:

NM_001854.4(COL11A1):c.5385C>T (p.Phe1795=)

Gene: COL11A1 (collagen type XI alpha 1 chain; minus strand). Cytogenetic location: 1p21.1.
Variant type: single nucleotide variant.
Coding change: c.5385C>T on transcript NM_001854.4 (MANE Select); coding-DNA position 5385, C replaced by T.
Protein change: p.Phe1795=; no amino-acid change (phenylalanine 1795 retained).
Molecular consequence: synonymous variant. On other transcripts: non-coding transcript variant (1).
Genome position (GRCh38, 1-based): chr1:102,878,055, G>A on the plus strand (C>T on the coding strand, the complement: COL11A1 is on the minus strand). VCF-style: chr1-102878055-G-A. GRCh37 (hg19) VCF-style: chr1-103343611-G-A.
Other names: c.5268C>T, p.Phe1756= (NM_001190709.2); c.5421C>T, p.Phe1807= (NM_080629.3); c.5037C>T, p.Phe1679= (NM_080630.4).
Identifiers: ClinVar variation 511574 (VCV000511574.10), dbSNP rs770392400, ClinGen allele CA973249.

ClinVar aggregate classification (germline): Likely benign. Review status: criteria provided, multiple submitters, no conflicts (2 of 4 stars). 3 submissions from 3 submitters: Likely benign (3). Last evaluated 2026-07-10.

Conditions:
COL11A1-related disorder. Also called: COL11A1-related disorders; COL11A1-related condition.

Allele frequency attached by ClinVar (database versions not stated): gnomAD 0.00003; TOPMed 0.00004; ExAC 0.00007; gnomAD exomes 0.00007.
gnomAD v4.1: 38 of 1,613,366 alleles (0.0024%); highest among the groups gnomAD compares: East Asian, 0.018%; no homozygotes.

Submissions (3):

PreventionGenetics, part of Exact Sciences
Classification: Likely benign for COL11A1-related condition. Last evaluated: 2026-07-10. Review status: criteria provided, single submitter. Criteria: ACMG Guidelines, 2015. Collection method: clinical testing. Allele origin: germline.
Comment: This variant is classified as likely benign based on ACMG/AMP sequence variant interpretation guidelines (Richards et al. 2015 PMID: 25741868, with internal and published modifications).

Labcorp Genetics (formerly Invitae), Labcorp
Classification: Likely benign. Last evaluated: 2026-01-24. Review status: criteria provided, single submitter. Criteria: Invitae Variant Classification Sherloc (09022015). Collection method: clinical testing. Allele origin: germline.

GeneDx
Classification: Likely benign. Last evaluated: 2017-08-23. Review status: criteria provided, single submitter. Criteria: GeneDx Variant Classification (06012015). Collection method: clinical testing. Allele origin: germline. Affected: yes.
Comment: This variant is considered likely benign or benign based on one or more of the following criteria: it is a conservative change, it occurs at a poorly conserved position in the protein, it is predicted to be benign by multiple in silico algorithms, and/or has population frequency not consistent with disease.